The following is an entry in ClinVar:

ClinVar aggregate classification (germline): Conflicting classifications of pathogenicity. Review status: criteria provided, conflicting classifications (1 of 4 stars). 10 submissions from 10 submitters: Uncertain significance (7); Likely benign (2). 1 of the submissions does not count toward it. Last evaluated 2026-08-04.

Conditions:
SDHAF2-related disorder. Also called: SDHAF2-related condition.
Hereditary cancer-predisposing syndrome. Also called: Hereditary neoplastic syndrome; Neoplastic Syndromes, Hereditary; Hereditary Cancer Syndrome; Tumor predisposition. Identifiers: Orphanet 140162, MedGen C0027672, MeSH D009386, MONDO:0015356.
Hereditary pheochromocytoma and paraganglioma. Also called: Hereditary pheochromocytoma-paraganglioma; Hereditary Paraganglioma-Pheochromocytoma Syndromes; Hereditary paragangliomas and pheochromocytomas. Identifiers: Orphanet 29072, MedGen C4274332, MONDO:0017366.
Pheochromocytoma/paraganglioma syndrome 2. Also called: SDHAF2-Related Hereditary Paraganglioma-Pheochromocytoma Syndrome; Paragangliomas 2; SDHAF2-Related Hereditary Paraganglioma-Pheochromocytoma Syndrome (Paragangliomas 2); GLOMUS TUMORS, FAMILIAL, 2. Identifiers: Orphanet 29072, MedGen C1866552, MONDO:0011121, OMIM 601650.

Allele frequency attached by ClinVar (database versions not stated): gnomAD exomes 0.00003 and 0.00007; gnomAD 0.00004; TOPMed 0.00003; ExAC 0.00003.
gnomAD v4.1: 105 of 1,614,002 alleles (0.0065%); highest among the groups gnomAD compares: Non-Finnish European, 0.0086%; no homozygotes.

Submissions (10):

Myriad Genetics, Inc.
Classification: Likely benign for Pheochromocytoma/paraganglioma syndrome 2. Last evaluated: 2026-08-04. Review status: criteria provided, single submitter. Criteria: Myriad Autosomal Dominant, Autosomal Recessive and X-Linked Classification Criteria (2023). Collection method: clinical testing. Allele origin: unknown.
Comment: This variant is considered likely benign. This variant has been observed at a population frequency that is significantly greater than expected given the associated disease prevalence and penetrance.

PreventionGenetics, part of Exact Sciences
Classification: Uncertain significance for SDHAF2-related condition. Last evaluated: 2026-06-15. Review status: criteria provided, single submitter. Criteria: ACMG Guidelines, 2015. Collection method: clinical testing. Allele origin: germline.
Comment: The SDHAF2 c.52A>G variant is predicted to result in the amino acid substitution p.Arg18Gly. This variant has been reported as uncertain in an individual with features of hereditary renal cell carcinoma (patient RCC-034 in Online Supplementary VUS variants, Smith et al. 2020. PubMed ID: 32830346), in several individuals with no personal or family history of paraganglioma or pheochromocytoma (Supp. Table 2, Rana et al. 2024. PubMed ID: 38473309), and in an individual from the ClinSeq exome sequencing cohort (Table S1, Johnston et al. 2012. PubMed ID: 22703879). This variant is reported in 0.0046% of alleles in individuals of European (Non-Finnish) descent in gnomAD and is interpreted as uncertain and likely benign in ClinVar (Variation ID: 41836). At this time, the clinical significance of this variant is uncertain due to the absence of conclusive functional and genetic evidence.

Labcorp Genetics (formerly Invitae), Labcorp
Classification: Uncertain significance for Hereditary pheochromocytoma and paraganglioma. Last evaluated: 2025-11-17. Review status: criteria provided, single submitter. Criteria: Invitae Variant Classification Sherloc (09022015). Collection method: clinical testing. Allele origin: germline.
Comment: This sequence change replaces arginine, which is basic and polar, with glycine, which is neutral and non-polar, at codon 18 of the SDHAF2 protein (p.Arg18Gly). This variant is present in population databases (rs200911550, gnomAD 0.006%). This missense change has been observed in individual(s) with SDHAF2-related conditions (PMID: 32830346). ClinVar contains an entry for this variant (Variation ID: 41836). An algorithm developed to predict the effect of missense changes on protein structure and function (PolyPhen-2) suggests that this variant is likely to be tolerated. RNA analysis performed to evaluate the impact of this missense change on mRNA splicing indicates it does not significantly alter splicing (internal data). In summary, the available evidence is currently insufficient to determine the role of this variant in disease. Therefore, it has been classified as a Variant of Uncertain Significance.

Quest Diagnostics Nichols Institute San Juan Capistrano
Classification: Uncertain significance. Last evaluated: 2025-06-18. Review status: criteria provided, single submitter. Criteria: Quest Diagnostics criteria. Collection method: clinical testing. Allele origin: unknown.
Comment: The SDHAF2 c.52A>G (p.Arg18Gly) variant has been seen in the published literature in reportedly unaffected individuals (PMID: 22703879 (2012), 38473309 (2024)). The frequency of this variant in the general population (Genome Aggregation Database) is uninformative in the assessment of its pathogenicity. Analysis of this variant using bioinformatics tools for the prediction of the effect of amino acid changes on protein structure and function yielded predictions that this variant is benign. Additional analysis using software algorithms for the prediction of the effect of nucleotide changes on SDHAF2 mRNA splicing yielded predictions that this variant may result in the gain of a cryptic splice site without affecting the natural splice sites. Based on the available information, we are unable to determine the clinical significance of this variant.

Ambry Genetics
Classification: Uncertain significance for Hereditary cancer-predisposing syndrome. Last evaluated: 2025-02-06. Review status: criteria provided, single submitter. Criteria: Ambry Variant Classification Scheme 2023. Collection method: clinical testing. Allele origin: germline.
Comment: The p.R18G variant (also known as c.52A>G), located in coding exon 2 of the SDHAF2 gene, results from an A to G substitution at nucleotide position 52. The arginine at codon 18 is replaced by glycine, an amino acid with dissimilar properties. This amino acid position is not well conserved in available vertebrate species. In addition, this alteration is predicted to be tolerated by in silico analysis. Based on the available evidence, the clinical significance of this variant remains unclear.

Blueprint Genetics
Classification: Uncertain significance. Last evaluated: 2024-10-01. Review status: criteria provided, single submitter. Criteria: ACMG Guidelines, 2015. Collection method: clinical testing. Allele origin: germline.

GeneDx
Classification: Uncertain significance. Last evaluated: 2024-03-13. Review status: criteria provided, single submitter. Criteria: GeneDx Variant Classification Process June 2021. Collection method: clinical testing. Allele origin: germline. Affected: yes.
Comment: Not observed at significant frequency in large population cohorts (gnomAD); In silico analysis supports that this missense variant does not alter protein structure/function; Observed in an individual with atherosclerosis (PMID: 22703879); This variant is associated with the following publications: (PMID: 22703879)

Baylor Genetics
Classification: Uncertain significance for Pheochromocytoma/paraganglioma syndrome 2. Last evaluated: 2024-02-12. Review status: criteria provided, single submitter. Criteria: ACMG Guidelines, 2015. Collection method: clinical testing. Allele origin: unknown.

Color Diagnostics, LLC DBA Color Health
Classification: Likely benign for Hereditary pheochromocytoma and paraganglioma. Last evaluated: 2022-12-15. Review status: criteria provided, single submitter. Criteria: ACMG Guidelines, 2015. Collection method: clinical testing. Allele origin: germline.

Biesecker Lab/Clinical Genomics Section, National Institutes of Health
Classification: Uncertain significance. Last evaluated: 2012-07-13. Review status: no assertion criteria provided. Collection method: research. Allele origin: germline. Affected: no. Observed: 1 variant allele. Study: ClinSeq. Not counted in ClinVar's aggregate classification.
ClinVar note: Converted during submission from variant of unknown significance to Uncertain significance.

Literature cited by the submitters: PubMed 32830346 (cited by Labcorp Genetics (formerly Invitae), Labcorp and Quest Diagnostics Nichols Institute San Juan Capistrano); PubMed 38473309 (cited by Quest Diagnostics Nichols Institute San Juan Capistrano); PubMed 27600092 (cited by Quest Diagnostics Nichols Institute San Juan Capistrano); PubMed 28892078 (cited by Quest Diagnostics Nichols Institute San Juan Capistrano).

NM_017841.4(SDHAF2):c.52A>G (p.Arg18Gly)

Gene: SDHAF2 (succinate dehydrogenase complex assembly factor 2; plus strand). Cytogenetic location: 11q12.2.
Variant type: single nucleotide variant.
Coding change: c.52A>G on transcript NM_017841.4 (MANE Select); coding-DNA position 52, A replaced by G.
Protein change: p.Arg18Gly; replaces arginine 18 with glycine.
Molecular consequence: missense variant.
Genome position (GRCh38, 1-based): chr11:61,437,640, A>G. VCF-style: chr11-61437640-A-G. GRCh37 (hg19) VCF-style: chr11-61205112-A-G.
Other names: short protein forms R18G.
Identifiers: ClinVar variation 41836 (VCV000041836.25), dbSNP rs200911550, ClinGen allele CA017332.